The following is an entry in ClinVar:

ClinVar aggregate classification (germline): Likely benign (1 of 4 stars; one submission).

Submission:

Women's Health and Genetics/Laboratory Corporation of America, LabCorp
Classification: Likely benign. Last evaluated: 2025-06-30. Review status: criteria provided, single submitter. Criteria: LabCorp Variant Classification Summary - May 2015. Collection method: clinical testing. Allele origin: germline.
Comment: Variant summary: SPART c.811-5T>C alters a nucleotide located at a position not widely known to affect splicing. Consensus agreement among computation tools predict no significant impact on normal splicing. However, these predictions have yet to be confirmed by functional studies. The variant was absent in 249522 control chromosomes (gnomAD). The available data on variant occurrences in the general population are insufficient to allow any conclusion about variant significance. To our knowledge, no occurrence of c.811-5T>C in individuals affected with Troyer Syndrome and no experimental evidence demonstrating its impact on protein function have been reported. No submitters have cited clinical-significance assessments for this variant to ClinVar. Based on the evidence outlined above, the variant was classified as likely benign.

NM_015087.5(SPART):c.811-5T>C

Gene: SPART (spartin; minus strand). Cytogenetic location: 13q13.3.
Variant type: single nucleotide variant.
Coding change: c.811-5T>C on transcript NM_015087.5 (MANE Select); 5 bases into the intron before coding-DNA position 811, T replaced by C.
Molecular consequence: intron variant.
Genome position (GRCh38, 1-based): chr13:36,331,601, A>G on the plus strand (T>C on the coding strand, the complement: SPART is on the minus strand). VCF-style: chr13-36331601-A-G. GRCh37 (hg19) VCF-style: chr13-36905738-A-G.
Other names: c.811-5T>C (NM_001142294.2, NM_001142295.2, NM_001142296.2).
Identifiers: ClinVar variation 3907653 (VCV003907653.1).
Genomic context (GRCh38, chr13:36,331,601, plus strand): 5'-GTACATTTCAGAACCGGAGATCTATCAGGAACTAGAGGATATAACCAGTCACAAACCTGA[A>G]AGGATTCATTAGAAGAAAAAAAATATACATATAAATAAATGAAACTAGATTTTCATTTAT-3'